The following is an entry in ClinVar:

NM_000038.6(APC):c.931A>G (p.Lys311Glu)

Gene: APC (APC regulator of WNT signaling pathway; plus strand). Cytogenetic location: 5q22.2.
Variant type: single nucleotide variant.
Coding change: c.931A>G on transcript NM_000038.6 (MANE Select); coding-DNA position 931, A replaced by G.
Protein change: p.Lys311Glu; replaces lysine 311 with glutamic acid.
Molecular consequence: missense variant. On other transcripts: non-coding transcript variant (2).
Genome position (GRCh38, 1-based): chr5:112,815,591, A>G. VCF-style: chr5-112815591-A-G. GRCh37 (hg19) VCF-style: chr5-112151288-A-G.
Other names: c.931A>G, p.Lys311Glu (NM_001127510.3, NM_001354895.2, NM_001354896.2 and 12 more transcripts); c.877A>G, p.Lys293Glu (NM_001127511.3); c.961A>G, p.Lys321Glu (NM_001354897.2, NM_001354902.2, NM_001407446.1); c.856A>G, p.Lys286Glu (NM_001354898.2, NM_001354904.2, NM_001407451.1); c.847A>G, p.Lys283Glu (NM_001354899.2, NM_001407452.1, NM_001407467.1 and 1 more transcripts); c.754A>G, p.Lys252Glu (NM_001354900.2, NM_001354901.2, NM_001354905.2 and 1 more transcripts); c.82A>G, p.Lys28Glu (NM_001354906.2, NM_001407470.1, NM_001407471.1 and 1 more transcripts); short protein forms K252E, K283E, K286E, K28E, K293E, K311E, K321E.
Identifiers: ClinVar variation 3367299 (VCV003367299.2).

ClinVar aggregate classification (germline): Uncertain significance. Review status: criteria provided, multiple submitters, no conflicts (2 of 4 stars). 2 submissions from 2 submitters: Uncertain significance (2). Last evaluated 2024-05-14.

Conditions:
Classic or attenuated familial adenomatous polyposis. Identifiers: MedGen CN372698, MONDO:0021057.

Submissions (2):

All of Us Research Program, National Institutes of Health
Classification: Uncertain significance for Classic or attenuated familial adenomatous polyposis. Last evaluated: 2024-05-14. Review status: criteria provided, single submitter. Criteria: ACMG Guidelines, 2015. Collection method: clinical testing. Allele origin: germline. Inheritance: Autosomal dominant inheritance. Observed: 1 variant allele, 1 heterozygote.
Comment: This missense variant replaces lysine with glutamic acid at codon 311 of the APC protein. Computational prediction suggests that this variant may have deleterious impact on protein structure and function (internally defined REVEL score threshold >= 0.7, PMID: 27666373). To our knowledge, functional studies have not been reported for this variant. This variant has not been reported in individuals affected with APC-related disorders in the literature. This variant has not been identified in the general population by the Genome Aggregation Database (gnomAD). The available evidence is insufficient to determine the role of this variant in disease conclusively. Therefore, this variant is classified as a Variant of Uncertain Significance.

This study involves interpretation of variants in research participants for the purpose of population health screening. Participant phenotype was not available at the time of variant classification. Additional details can be found in publication PMID: 35346344, PMCID: PMC8962531

GeneDx
Classification: Uncertain significance. Last evaluated: 2023-12-28. Review status: criteria provided, single submitter. Criteria: GeneDx Variant Classification Process June 2021. Collection method: clinical testing. Allele origin: germline. Affected: yes.
Comment: Not observed at significant frequency in large population cohorts (gnomAD); In silico analysis supports that this missense variant has a deleterious effect on protein structure/function; Has not been previously published as pathogenic or benign to our knowledge